The following is an entry in ClinVar:

ClinVar aggregate classification (germline): Pathogenic (1 of 4 stars; one submission).

Submission:

Labcorp Genetics (formerly Invitae), Labcorp
Classification: Pathogenic. Last evaluated: 2023-06-27. Review status: criteria provided, single submitter. Criteria: Invitae Variant Classification Sherloc (09022015). Collection method: clinical testing. Allele origin: unknown.
Comment: For these reasons, this variant has been classified as Pathogenic. A similar copy number variant has been observed in individual(s) with Parkinson disease (PMID: 30328284). This variant is a gross deletion of the genomic region encompassing exon(s) 4-6 of the PRKN gene. This deletion is out-of-frame, and is expected to create a premature termination codon and result in an absent or disrupted protein product. Loss-of-function variants in PRKN are known to be pathogenic (PMID: 10072423, 20301651, 22956510).

Literature cited by the submitters: PubMed 30328284; PubMed 10072423; PubMed 20301651; PubMed 22956510.

NC_000006.11:g.(?_162394314)_(162622304_?)del

Gene: PRKN (parkin RBR E3 ubiquitin protein ligase; minus strand). Cytogenetic location: 6q26.
Variant type: Deletion.
Identifiers: ClinVar variation 3246181 (VCV003246181.1).